The following is an entry in ClinVar:

NM_005188.4(CBL):c.1282C>T (p.Pro428Ser)

Gene: CBL (Cbl proto-oncogene; plus strand). Cytogenetic location: 11q23.3.
Variant type: single nucleotide variant.
Coding change: c.1282C>T on transcript NM_005188.4 (MANE Select); coding-DNA position 1282, C replaced by T.
Protein change: p.Pro428Ser; replaces proline 428 with serine.
Molecular consequence: missense variant.
Genome position (GRCh38, 1-based): chr11:119,278,564, C>T. VCF-style: chr11-119278564-C-T. GRCh37 (hg19) VCF-style: chr11-119149274-C-T.
Other names: c.1282C>T (NM_005188.2); short protein forms P428S.
Identifiers: ClinVar variation 1415547 (VCV001415547.8), dbSNP rs762677807, ClinGen allele CA6318489.

ClinVar aggregate classification (germline): Uncertain significance. Review status: criteria provided, multiple submitters, no conflicts (2 of 4 stars). 3 submissions from 3 submitters: Uncertain significance (3). Last evaluated 2025-01-06.

Conditions:
CBL-related disorder. Also called: NOONAN SYNDROME-LIKE DISORDER WITHOUT JUVENILE MYELOMONOCYTIC LEUKEMIA; CBL MUTATION-ASSOCIATED SYNDROME; CBL SYNDROME. Identifiers: Orphanet 363972, MedGen C3150803, MONDO:0013308, OMIM 613563.
Juvenile myelomonocytic leukemia (JMML). Also called: LEUKEMIA, JUVENILE MYELOMONOCYTIC, SOMATIC. Identifiers: Orphanet 86834, MedGen C0349639, MONDO:0011908, OMIM 607785, HP:0012209.
RASopathy. Also called: Noonan spectrum disorder; rasopathies. Identifiers: Orphanet 536391, MedGen C5555857, MONDO:0021060.
Cardiovascular phenotype. Identifiers: MedGen CN230736.

Allele frequency attached by ClinVar (database versions not stated): gnomAD exomes below 0.00001 and 0.00001; TOPMed 0.00001; ExAC 0.00002.
gnomAD v4.1: 4 of 1,614,126 alleles (0.00025%); highest among the groups gnomAD compares: South Asian, 0.0044%; no homozygotes.

Submissions (3):

Ambry Genetics
Classification: Uncertain significance for Cardiovascular phenotype. Last evaluated: 2025-01-06. Review status: criteria provided, single submitter. Criteria: Ambry Variant Classification Scheme 2023. Collection method: clinical testing. Allele origin: germline.
Comment: The p.P428S variant (also known as c.1282C>T), located in coding exon 9 of the CBL gene, results from a C to T substitution at nucleotide position 1282. The proline at codon 428 is replaced by serine, an amino acid with similar properties. This amino acid position is conserved. In addition, this alteration is predicted to be deleterious by in silico analysis. Based on the available evidence, the clinical significance of this variant remains unclear.

Labcorp Genetics (formerly Invitae), Labcorp
Classification: Uncertain significance for RASopathy. Last evaluated: 2023-12-07. Review status: criteria provided, single submitter. Criteria: Invitae Variant Classification Sherloc (09022015). Collection method: clinical testing. Allele origin: germline.
Comment: This sequence change replaces proline, which is neutral and non-polar, with serine, which is neutral and polar, at codon 428 of the CBL protein (p.Pro428Ser). This variant is present in population databases (rs762677807, gnomAD 0.01%). This variant has not been reported in the literature in individuals affected with CBL-related conditions. ClinVar contains an entry for this variant (Variation ID: 1415547). Advanced modeling of protein sequence and biophysical properties (such as structural, functional, and spatial information, amino acid conservation, physicochemical variation, residue mobility, and thermodynamic stability) has been performed at Invitae for this missense variant, however the output from this modeling did not meet the statistical confidence thresholds required to predict the impact of this variant on CBL protein function. In summary, the available evidence is currently insufficient to determine the role of this variant in disease. Therefore, it has been classified as a Variant of Uncertain Significance.

Fulgent Genetics
Classification: Uncertain significance for Juvenile myelomonocytic leukemia; CBL-related disorder. Last evaluated: 2021-10-13. Review status: criteria provided, single submitter. Criteria: ACMG Guidelines, 2015. Collection method: clinical testing. Allele origin: unknown.